The following is an entry in ClinVar:

NM_182961.4(SYNE1):c.25604G>A (p.Cys8535Tyr)

Gene: SYNE1 (spectrin repeat containing nuclear envelope protein 1; minus strand). Cytogenetic location: 6q25.2.
Variant type: single nucleotide variant.
Coding change: c.25604G>A on transcript NM_182961.4 (MANE Select); coding-DNA position 25604, G replaced by A.
Protein change: p.Cys8535Tyr; replaces cysteine 8535 with tyrosine.
Molecular consequence: missense variant.
Genome position (GRCh38, 1-based): chr6:152,136,673, C>T on the plus strand (G>A on the coding strand, the complement: SYNE1 is on the minus strand). VCF-style: chr6-152136673-C-T. GRCh37 (hg19) VCF-style: chr6-152457808-C-T.
Other names: c.2210G>A, p.Cys737Tyr (NM_001347701.2); c.2138G>A, p.Cys713Tyr (NM_001347702.2); c.25460G>A, p.Cys8487Tyr (NM_033071.5); short protein forms C713Y, C737Y, C8487Y, C8535Y.
Identifiers: ClinVar variation 2436589 (VCV002436589.6), dbSNP rs1251175162, ClinGen allele CA366078887.

ClinVar aggregate classification (germline): Uncertain significance. Review status: criteria provided, multiple submitters, no conflicts (2 of 4 stars). 2 submissions from 2 submitters: Uncertain significance (2). Last evaluated 2023-10-13.

Conditions:
Emery-Dreifuss muscular dystrophy 4, autosomal dominant (EDMD4). Also called: EMERY-DREIFUSS MUSCULAR DYSTROPHY 4 WITH VARIABLE FEATURES. Identifiers: Orphanet 261, MedGen C2751807, MONDO:0013071, OMIM 612998.
Autosomal recessive ataxia, Beauce type. Also called: ATAXIA, RECESSIVE, OF BEAUCE; SYNE1 Deficiency; Spinocerebellar ataxia, autosomal recessive 8; SYNE1-Related Autosomal Recessive Cerebellar Ataxia. Identifiers: Orphanet 88644, MedGen C1853116, MONDO:0012549, OMIM 610743.

Allele frequency attached by ClinVar (database versions not stated): gnomAD exomes below 0.00001; TOPMed 0.00002; gnomAD 0.00003.
gnomAD v4.1: 10 of 1,614,026 alleles (0.00062%); highest among the groups gnomAD compares: African/African-American, 0.011%; no homozygotes.

Submissions (2):

Labcorp Genetics (formerly Invitae), Labcorp
Classification: Uncertain significance for Emery-Dreifuss muscular dystrophy 4, autosomal dominant; Autosomal recessive ataxia, Beauce type. Last evaluated: 2023-10-13. Review status: criteria provided, single submitter. Criteria: Invitae Variant Classification Sherloc (09022015). Collection method: clinical testing. Allele origin: germline.
Comment: This sequence change replaces cysteine, which is neutral and slightly polar, with tyrosine, which is neutral and polar, at codon 8487 of the SYNE1 protein (p.Cys8487Tyr). This variant is present in population databases (no rsID available, gnomAD 0.01%). This variant has not been reported in the literature in individuals affected with SYNE1-related conditions. ClinVar contains an entry for this variant (Variation ID: 2436589). An algorithm developed to predict the effect of missense changes on protein structure and function (PolyPhen-2) suggests that this variant is likely to be disruptive. In summary, the available evidence is currently insufficient to determine the role of this variant in disease. Therefore, it has been classified as a Variant of Uncertain Significance.

Revvity Omics, Revvity
Classification: Uncertain significance. Last evaluated: 2019-05-30. Review status: criteria provided, single submitter. Criteria: ACMG Guidelines, 2015. Collection method: clinical testing. Allele origin: germline.